The following is an entry in ClinVar:

ClinVar aggregate classification (germline): Uncertain significance (1 of 4 stars; one submission).

Conditions:
Dilated cardiomyopathy 1G (CMD1G). Identifiers: Orphanet 154, MedGen C1858763, MONDO:0011400, OMIM 604145.
Autosomal recessive limb-girdle muscular dystrophy type 2J (LGMDR10). Also called: MUSCULAR DYSTROPHY, LIMB-GIRDLE, AUTOSOMAL RECESSIVE 10; Limb-girdle muscular dystrophy, type 2J. Identifiers: Orphanet 140922, MedGen C1837342, MONDO:0012127, OMIM 608807.

gnomAD v4.1: 1 of 1,612,720 alleles (0.000062%); highest among the groups gnomAD compares: Non-Finnish European, 0.000085%; no homozygotes.

Submission:

Labcorp Genetics (formerly Invitae), Labcorp
Classification: Uncertain significance for Dilated cardiomyopathy 1G; Autosomal recessive limb-girdle muscular dystrophy type 2J. Last evaluated: 2021-07-21. Review status: criteria provided, single submitter. Criteria: Invitae Variant Classification Sherloc (09022015). Collection method: clinical testing. Allele origin: germline.
Comment: This sequence change replaces glycine with serine at codon 35657 of the TTN protein (p.Gly35657Ser). There is a small physicochemical difference between glycine and serine. This variant is not present in population databases (ExAC no frequency). This variant has not been reported in the literature in individuals affected with TTN-related conditions. Experimental studies and prediction algorithms are not available or were not evaluated, and the functional significance of this variant is currently unknown. Algorithms developed to predict the effect of sequence changes on RNA splicing suggest that this variant may create or strengthen a splice site. In summary, the available evidence is currently insufficient to determine the role of this variant in disease. Therefore, it has been classified as a Variant of Uncertain Significance. This variant is located in the M band of TTN (PMID: 25589632). Variants in this region may be relevant for neuromuscular disorders, but have not been definitively shown to cause cardiomyopathy (PMID: 23975875).

Literature cited by the submitters: PubMed 25589632; PubMed 23975875.

NM_001267550.2(TTN):c.106969G>A (p.Gly35657Ser)

Genes: TTN-AS1 (TTN antisense RNA 1; plus strand), TTN (titin; minus strand). Cytogenetic location: 2q31.2.
Variant type: single nucleotide variant.
Coding change: c.106969G>A on transcript NM_001267550.2 (MANE Select); coding-DNA position 106969, G replaced by A.
Protein change: p.Gly35657Ser; replaces glycine 35657 with serine.
Molecular consequence: missense variant.
Genome position (GRCh38, 1-based): chr2:178,528,782, C>T on the plus strand (G>A on the coding strand, the complement: TTN is on the minus strand). VCF-style: chr2-178528782-C-T. GRCh37 (hg19) VCF-style: chr2-179393509-C-T.
Other names: c.102046G>A, p.Gly34016Ser (NM_001256850.1); c.79774G>A, p.Gly26592Ser (NM_003319.4); c.99265G>A, p.Gly33089Ser (NM_133378.4); c.80149G>A, p.Gly26717Ser (NM_133432.3); c.80350G>A, p.Gly26784Ser (NM_133437.4); short protein forms G26592S, G35657S, G26717S, G26784S, G34016S, G33089S.
Identifiers: ClinVar variation 1476640 (VCV001476640.8), dbSNP rs2154131322, ClinGen allele CA349402406.
Genomic context (GRCh38, chr2:178,528,782, plus strand): 5'-AGGTGAGGATTCCTTCATCTCTGTGACTGGCTTGCTTGATGGTTAGGGTCTGATCGCTGC[C>T]TGAGACACCATATCGGTACTCCTCAGAGTTGGTAAGCTCTACGCCATTCAGTACCCATTT-3'
Protein context (NP_001254479.2, residues 35647-35667): NSEEYRYGVS[Gly35657Ser]SDQTLTIKQA